The following is an entry in ClinVar:

NM_001367624.2(ZNF469):c.943G>A (p.Glu315Lys)

Gene: ZNF469 (zinc finger protein 469; plus strand). Cytogenetic location: 16q24.2.
Variant type: single nucleotide variant.
Coding change: c.943G>A on transcript NM_001367624.2 (MANE Select); coding-DNA position 943, G replaced by A.
Protein change: p.Glu315Lys; replaces glutamic acid 315 with lysine.
Molecular consequence: missense variant.
Genome position (GRCh38, 1-based): chr16:88,428,413, G>A. VCF-style: chr16-88428413-G-A. GRCh37 (hg19) VCF-style: chr16-88494821-G-A.
Other names: NM_001127464.1:c.943G>A; short protein forms E315K.
Identifiers: ClinVar variation 1212564 (VCV001212564.17), dbSNP rs530720576, ClinGen allele CA8224641.
Genomic context (GRCh38, chr16:88,428,413, plus strand): 5'-CACGCATTCACCAATGGGCCACTGGTGTTTGCCTTCCATCAGCCCCAGGGAGCGTGGCCG[G>A]AGGAGGCCGTGGGCACGGGCCCTGCCTACCCGCTGCCCACCCAGCCTGCGCCCTCACCCC-3'
Protein context (NP_001354553.1, residues 305-325): AFHQPQGAWP[Glu315Lys]EAVGTGPAYP

ClinVar aggregate classification (germline): Conflicting classifications of pathogenicity. Review status: criteria provided, conflicting classifications (1 of 4 stars). 5 submissions from 5 submitters: Uncertain significance (3); Likely benign (2). Last evaluated 2026-03-25.

Conditions:
Cardiovascular phenotype. Identifiers: MedGen CN230736.

Allele frequency attached by ClinVar (database versions not stated): gnomAD exomes 0.00008 and 0.00009; ExAC 0.00019; 1000 Genomes Project 0.00020; gnomAD 0.00030 and 0.00033; 1000 Genomes Project 30x 0.00031; TOPMed 0.00062.
gnomAD v4.1: 169 of 1,548,264 alleles (0.011%); highest among the groups gnomAD compares: Middle Eastern, 0.25%; 1 homozygote.

Submissions (5):

Women's Health and Genetics/Laboratory Corporation of America, LabCorp
Classification: Uncertain significance. Last evaluated: 2026-03-25. Review status: criteria provided, single submitter. Criteria: LabCorp Variant Classification Summary - May 2015. Collection method: clinical testing. Allele origin: germline.
Comment: Variant summary: ZNF469 c.943G>A (p.Glu315Lys) results in a conservative amino acid change in the encoded protein sequence. Algorithms developed to predict the effect of missense changes on protein structure and function all suggest that this variant is likely to be tolerated. The variant allele was found at a frequency of 9.4e-05 in 148766 control chromosomes, predominantly at a frequency of 0.00016 within the Non-Finnish European subpopulation in the gnomAD database. The available data on variant occurrences in the general population are insufficient to allow any conclusion about variant significance. To our knowledge, no occurrence of c.943G>A in individuals affected with ZNF469-related conditions and no experimental evidence demonstrating its impact on protein function have been reported. ClinVar contains an entry for this variant (Variation ID: 1212564). Based on the evidence outlined above, the variant was classified as uncertain significance.

CeGaT Center for Human Genetics Tuebingen
Classification: Uncertain significance. Last evaluated: 2025-11-01. Review status: criteria provided, single submitter. Criteria: CeGaT Center For Human Genetics Tuebingen Variant Classification Criteria Version 2. Collection method: clinical testing. Allele origin: germline. Affected: yes. Observed: 1 variant allele.
Comment: ZNF469: PM2

Ambry Genetics
Classification: Likely benign for Cardiovascular phenotype. Last evaluated: 2024-04-17. Review status: criteria provided, single submitter. Criteria: Ambry Variant Classification Scheme 2023. Collection method: clinical testing. Allele origin: germline.

Labcorp Genetics (formerly Invitae), Labcorp
Classification: Uncertain significance. Last evaluated: 2022-07-27. Review status: criteria provided, single submitter. Criteria: Invitae Variant Classification Sherloc (09022015). Collection method: clinical testing. Allele origin: germline.
Comment: This sequence change replaces glutamic acid, which is acidic and polar, with lysine, which is basic and polar, at codon 315 of the ZNF469 protein (p.Glu315Lys). This variant is present in population databases (rs530720576, gnomAD 0.01%). This variant has not been reported in the literature in individuals affected with ZNF469-related conditions. ClinVar contains an entry for this variant (Variation ID: 1212564). Algorithms developed to predict the effect of missense changes on protein structure and function (SIFT, PolyPhen-2, Align-GVGD) all suggest that this variant is likely to be tolerated. In summary, the available evidence is currently insufficient to determine the role of this variant in disease. Therefore, it has been classified as a Variant of Uncertain Significance.

GeneDx
Classification: Likely benign. Last evaluated: 2021-01-11. Review status: criteria provided, single submitter. Criteria: GeneDx Variant Classification Process June 2021. Collection method: clinical testing. Allele origin: germline. Affected: yes.